The following is an entry in ClinVar:

NC_012920.1(MT-ND3):m.10236A>G

Gene: MT-ND3 (mitochondrially encoded NADH dehydrogenase 3; plus strand).
Variant type: single nucleotide variant.
Genome position: chrM-10236-A-G.
Identifiers: ClinVar variation 693274 (VCV000693274.1), dbSNP rs1603222731, ClinGen allele CA414804604.

ClinVar aggregate classification (germline): Uncertain significance (1 of 4 stars; one submission).

Conditions:
Leigh syndrome (NULS). Also called: Leigh's necrotizing encephalopathy; Leigh's disease; Leigh Syndrome (mtDNA deletion); Leigh Disease; Subacute necrotizing encephalopathy; Necrotizing encephalopathy infantile subacute of Leigh. Identifiers: Orphanet 506, MedGen C2931891, MONDO:0009723, OMIM 256000.

Submission:

Wong Mito Lab, Molecular and Human Genetics, Baylor College of Medicine
Classification: Uncertain significance for Leigh syndrome. Last evaluated: 2019-10-17. Review status: criteria provided, single submitter. Criteria: Modified ACMG Guidelines (Unpublished). Collection method: clinical testing. Allele origin: germline.
Comment: The NC_012920.1:m.10236A>G (YP_003024033.1:p.Ile60Val) variant in MTND3 gene is interpretated to be a Uncertain Significance variant based on the modified ACMG guidelines (unpublished). This variant meets the following evidence codes: PP4